The following is an entry in ClinVar:

NM_003477.3(PDHX):c.-23C>A

Genes: PDHX (pyruvate dehydrogenase complex component X; plus strand), LOC130005549 (ATAC-STARR-seq lymphoblastoid active region 4608; plus strand). Cytogenetic location: 11p13.
Variant type: single nucleotide variant.
Coding change: c.-23C>A on transcript NM_003477.3 (MANE Select); 23 bases upstream of the start codon, C replaced by A.
Molecular consequence: 5 prime UTR variant. On other transcripts: intron variant (1).
Genome position (GRCh38, 1-based): chr11:34,916,633, C>A. VCF-style: chr11-34916633-C-A. GRCh37 (hg19) VCF-style: chr11-34938180-C-A.
Other names: c.-23C>A (NM_001166158.2); c.-21+147C>A (NM_001135024.2).
Identifiers: ClinVar variation 214953 (VCV000214953.5), dbSNP rs201033364, ClinGen allele CA320745.
Genomic context (GRCh38, chr11:34,916,633, plus strand): 5'-GGCGTGGCCAACCATGCGGGAGGCGGGGCCTTGATGCTGGACATCAGGCTGTGCTGCGGG[C>A]AGCCAGTGAGAAGGCCGTCAAGATGGCGGCCTCCTGGAGGCTGGGCTGTGATCCGCGGCT-3'

ClinVar aggregate classification (germline): Benign. Review status: criteria provided, multiple submitters, no conflicts (2 of 4 stars). 2 submissions from 2 submitters: Benign (2). Last evaluated 2018-01-13.

Conditions:
Pyruvate dehydrogenase E3-binding protein deficiency (PDHXD). Also called: E3-Binding Protein (Component X) Deficiency; LACTIC ACIDEMIA DUE TO DEFECT IN LIPOYL-CONTAINING COMPONENT X OF THE PYRUVATE DEHYDROGENASE COMPLEX; Lacticacidemia due to PDX1 deficiency; PYRUVATE HYDROGENASE E3-BINDING PROTEIN DEFICIENCY. Identifiers: Orphanet 255182, MedGen C1855553, MONDO:0009503, OMIM 245349.

Allele frequency attached by ClinVar (database versions not stated): gnomAD 0.00068 and 0.00087; TOPMed 0.00126; gnomAD exomes 0.00243; ExAC 0.00246; 1000 Genomes Project 30x 0.00359; 1000 Genomes Project 0.00399.
gnomAD v4.1: 1,146 of 1,603,898 alleles (0.071%); highest among the groups gnomAD compares: East Asian, 2.3%; 12 homozygotes.

Submissions (2):

Illumina Laboratory Services, Illumina
Classification: Benign for Pyruvate dehydrogenase E3-binding protein deficiency. Last evaluated: 2018-01-13. Review status: criteria provided, single submitter. Criteria: ICSL Variant Classification Criteria 13 December 2019. Collection method: clinical testing. Allele origin: germline.
Comment: This variant was observed in the ICSL laboratory as part of a predisposition screen in an ostensibly healthy population. It had not been previously curated by ICSL or reported in the Human Gene Mutation Database (HGMD: prior to June 1st, 2018), and was therefore a candidate for classification through an automated scoring system. Utilizing variant allele frequency, disease prevalence and penetrance estimates, and inheritance mode, an automated score was calculated to assess if this variant is too frequent to cause the disease. Based on the score and internal cut-off values, a variant classified as benign is not then subjected to further curation. The score for this variant resulted in a classification of benign for this disease.

GeneDx
Classification: Benign. Last evaluated: 2014-07-10. Review status: criteria provided, single submitter. Criteria: GeneDx Variant Classification (06012015). Collection method: clinical testing. Allele origin: germline. Affected: yes.
Comment: This variant is considered likely benign or benign based on one or more of the following criteria: it is a conservative change, it occurs at a poorly conserved position in the protein, it is predicted to be benign by multiple in silico algorithms, and/or has population frequency not consistent with disease.